The following is an entry in ClinVar:

NM_000038.6(APC):c.5302A>G (p.Lys1768Glu)

Gene: APC (APC regulator of Wnt signaling pathway; plus strand). Cytogenetic location: 5q22.2.
Variant type: single nucleotide variant.
Coding change: c.5302A>G on transcript NM_000038.6 (MANE Select); coding-DNA position 5302, A replaced by G.
Protein change: p.Lys1768Glu; replaces lysine 1768 with glutamic acid.
Molecular consequence: missense variant.
Genome position (GRCh38, 1-based): chr5:112,840,896, A>G. VCF-style: chr5-112840896-A-G. GRCh37 (hg19) VCF-style: chr5-112176593-A-G.
Other names: p.K1768E:AAG>GAG; c.5302A>G, p.Lys1768Glu (NM_001127510.3, NM_001354895.2); c.5248A>G, p.Lys1750Glu (NM_001127511.3); c.5356A>G, p.Lys1786Glu (NM_001354896.2); c.5332A>G, p.Lys1778Glu (NM_001354897.2); c.5227A>G, p.Lys1743Glu (NM_001354898.2); c.5218A>G, p.Lys1740Glu (NM_001354899.2); c.5179A>G, p.Lys1727Glu (NM_001354900.2); and 6 more; short protein forms K1768E, K1750E, K1608E, K1642E, K1786E, K1667E, K1709E, K1778E.
Identifiers: ClinVar variation 127304 (VCV000127304.53), dbSNP rs199630012, ClinGen allele CA010041.

ClinVar aggregate classification (germline): Conflicting classifications of pathogenicity. Review status: criteria provided, conflicting classifications (1 of 4 stars). 12 submissions from 12 submitters: Uncertain significance (9); Likely benign (1). 2 of the submissions do not count toward it. Last evaluated 2025-12-29.

Conditions:
Classic or attenuated familial adenomatous polyposis. Identifiers: MedGen CN372698, MONDO:0021057.
Hereditary cancer-predisposing syndrome. Also called: Tumor predisposition; Hereditary neoplastic syndrome; Neoplastic Syndromes, Hereditary; Hereditary Cancer Syndrome. Identifiers: Orphanet 140162, MedGen C0027672, MeSH D009386, MONDO:0015356.
Familial adenomatous polyposis 1 (FAP1). Also called: FAMILIAL ADENOMATOUS POLYPOSIS 1, ATTENUATED; POLYPOSIS, ADENOMATOUS INTESTINAL. Identifiers: MedGen C2713442, MONDO:0021056, OMIM 175100. Disease mechanism: loss of function.

Allele frequency attached by ClinVar (database versions not stated): gnomAD 0.00001; gnomAD exomes 0.00001 and 0.00002; TOPMed 0.00001; ExAC 0.00002; ESP Exome Variant Server 0.00015.
gnomAD v4.1: 31 of 1,613,680 alleles (0.0019%); highest among the groups gnomAD compares: Non-Finnish European, 0.0025%; no homozygotes.

Submissions (12):

Center for Genomic Medicine, Rigshospitalet, Copenhagen University Hospital
Classification: Likely benign. Last evaluated: 2025-12-29. Review status: criteria provided, single submitter. Criteria: ACMG Guidelines, 2015. Collection method: clinical testing. Allele origin: germline.
Comment: Classification criteria: BP1, BS1

Labcorp Genetics (formerly Invitae), Labcorp
Classification: Uncertain significance for Familial adenomatous polyposis 1. Last evaluated: 2025-10-23. Review status: criteria provided, single submitter. Criteria: Invitae Variant Classification Sherloc (09022015). Collection method: clinical testing. Allele origin: germline.
Comment: This sequence change replaces lysine, which is basic and polar, with glutamic acid, which is acidic and polar, at codon 1768 of the APC protein (p.Lys1768Glu). This variant is present in population databases (rs199630012, gnomAD 0.004%). This variant has not been reported in the literature in individuals affected with APC-related conditions. ClinVar contains an entry for this variant (Variation ID: 127304). Invitae Evidence Modeling of protein sequence and biophysical properties (such as structural, functional, and spatial information, amino acid conservation, physicochemical variation, residue mobility, and thermodynamic stability) indicates that this missense variant is not expected to disrupt APC protein function with a negative predictive value of 95%. In summary, the available evidence is currently insufficient to determine the role of this variant in disease. Therefore, it has been classified as a Variant of Uncertain Significance.

Quest Diagnostics Nichols Institute San Juan Capistrano
Classification: Uncertain significance. Last evaluated: 2025-07-25. Review status: criteria provided, single submitter. Criteria: Quest Diagnostics criteria. Collection method: clinical testing. Allele origin: unknown.
Comment: The APC c.5302A>G (p.Lys1768Glu) variant has been reported in the published literature in a reportedly unaffected individual (PMID: 30267214 (2018)). The frequency of this variant in the general population (Genome Aggregation Database) is uninformative in the assessment of its pathogenicity. Analysis of this variant using bioinformatics tools for the prediction of the effect of amino acid changes on protein structure and function yielded predictions that this variant is benign. Based on the available information, we are unable to determine the clinical significance of this variant.

Ambry Genetics
Classification: Uncertain significance for Hereditary cancer-predisposing syndrome. Last evaluated: 2025-06-13. Review status: criteria provided, single submitter. Criteria: Ambry Variant Classification Scheme 2023. Collection method: clinical testing. Allele origin: germline.
Comment: The p.K1768E variant (also known as c.5302A>G), located in coding exon 15 of the APC gene, results from an A to G substitution at nucleotide position 5302. The lysine at codon 1768 is replaced by glutamic acid, an amino acid with similar properties. In one study, this variant was detected in 0/165 colorectal cancer and/or polyposis patients and was identified in 1/2512 control individuals from a healthy population database (Rosenthal EA et al. Hum Genet, 2018 Oct;137:795-806). This amino acid position is not well conserved in available vertebrate species. In addition, in silico predictors for this gene do not accurately predict pathogenicity. Missense alterations in APC are not a common cause of disease (Spier I et al. Genet Med. 2024 Feb;26(2):100992). Based on the available evidence, the clinical significance of this variant remains unclear.

All of Us Research Program, National Institutes of Health
Classification: Uncertain significance for Classic or attenuated familial adenomatous polyposis. Last evaluated: 2024-05-14. Review status: criteria provided, single submitter. Criteria: ACMG Guidelines, 2015. Collection method: clinical testing. Allele origin: germline. Inheritance: Autosomal dominant inheritance. Observed: 4 variant alleles, 4 heterozygotes.
Comment: This missense variant replaces lysine with glutamic acid at codon 1768 of the APC protein. Computational prediction suggests that this variant may not impact protein structure and function (internally defined REVEL score threshold <= 0.5, PMID: 27666373). Splice site prediction tools suggest that this variant may not impact RNA splicing. To our knowledge, functional studies have not been performed for this variant. This variant has not been reported in individuals affected with hereditary cancer in the literature. This variant has been identified in 3/250580 chromosomes in the general population by the Genome Aggregation Database (gnomAD). The available evidence is insufficient to determine the role of this variant in disease conclusively. Therefore, this variant is classified as a Variant of Uncertain Significance.

This study involves interpretation of variants in research participants for the purpose of population health screening. Participant phenotype was not available at the time of variant classification. Additional details can be found in publication PMID: 35346344, PMCID: PMC8962531

Color Diagnostics, LLC DBA Color Health
Classification: Uncertain significance for Hereditary cancer-predisposing syndrome. Last evaluated: 2024-04-24. Review status: criteria provided, single submitter. Criteria: ACMG Guidelines, 2015. Collection method: clinical testing. Allele origin: germline.
Comment: This missense variant replaces lysine with glutamic acid at codon 1768 of the APC protein. Computational prediction suggests that this variant may not impact protein structure and function (internally defined REVEL score threshold <= 0.5, PMID: 27666373). To our knowledge, functional studies have not been reported for this variant. This variant has not been reported in individuals affected with APC-related disorders in the literature. This variant has been identified in 3/250580 chromosomes in the general population by the Genome Aggregation Database (gnomAD). The available evidence is insufficient to determine the role of this variant in disease conclusively. Therefore, this variant is classified as a Variant of Uncertain Significance.

Baylor Genetics
Classification: Uncertain significance for Familial adenomatous polyposis 1. Last evaluated: 2024-02-06. Review status: criteria provided, single submitter. Criteria: ACMG Guidelines, 2015. Collection method: clinical testing. Allele origin: unknown.

CeGaT Center for Human Genetics Tuebingen
Classification: Uncertain significance. Last evaluated: 2023-07-01. Review status: criteria provided, single submitter. Criteria: CeGaT Center For Human Genetics Tuebingen Variant Classification Criteria Version 2. Collection method: clinical testing. Allele origin: germline. Affected: yes. Observed: 1 variant allele.
Comment: APC: PM2, BP4

Myriad Genetics, Inc.
Classification: Uncertain significance for Familial adenomatous polyposis 1. Last evaluated: 2023-02-22. Review status: criteria provided, single submitter. Criteria: Myriad Autosomal Dominant, Autosomal Recessive and X-Linked Classification Criteria (2023). Collection method: clinical testing. Allele origin: unknown.
Comment: This variant is classified as a variant of uncertain significance as there is insufficient evidence to determine its impact on protein function and/or cancer risk.

GeneDx
Classification: Uncertain significance. Last evaluated: 2017-04-11. Review status: criteria provided, single submitter. Criteria: GeneDx Variant Classification (06012015). Collection method: clinical testing. Allele origin: germline. Affected: yes.
Comment: This variant is denoted APC c.5302A>G at the cDNA level, p.Lys1768Glu (K1768E) at the protein level, and results in the change of a Lysine to a Glutamic Acid (AAG>GAG). This variant has not, to our knowledge, been published in the literature as being pathogenic or benign. APC Lys1768Glu was not observed at a significant allele frequency in large population cohorts (NHLBI Exome Sequencing Project, The 1000 Genomes Consortium 2015, Lek 2016). Since Lysine and Glutamic Acid differ in polarity, charge, size or other properties, this is considered a non-conservative amino acid substitution. APC Lys1768Glu occurs at a position that is not conserved and is located in the 20-amino acid repeat beta-catenin down-regulating domain and the SAMP repeats/axin binding domain (Azzopardi 2008). In silico analyses predict that this variant is unlikely to alter protein structure or function. Based on currently available information, it is unclear whether APC Lys1768Glu is pathogenic or benign. We consider it to be a variant of uncertain significance.

Counsyl
Classification: Uncertain significance for Familial adenomatous polyposis 1. Last evaluated: 2016-09-27. Review status: no assertion criteria provided. Collection method: clinical testing. Allele origin: unknown. Not counted in ClinVar's aggregate classification.

Department of Pathology and Laboratory Medicine, Sinai Health System
Classification: Uncertain significance. Review status: no assertion criteria provided. Collection method: clinical testing. Allele origin: unknown. Affected: yes. Study: The Canadian Open Genetics Repository (COGR). Not counted in ClinVar's aggregate classification.
Comment: The p.Lys1768Glu variant was not identified in the literature, nor was it identified in the HGMD, UMD, â€šÃ„ÃºInSiGHT Colon Cancer Databaseâ€šÃ„Ã¹, or the COSMIC database. The variant was listed in dbSNP (ID: rs199630012) and was identified in the NHLBI Exome Sequencing Project (Exome Variant Server) in 2 of 8598 European American alleles; though the low number and frequency of this variant is not substantive enough to determine the prevalence of this variant in the general population. The p.Lys1768 residue is conserved in most mammals, suggesting that this may be an important residue; however, the variant amino acid glutamic acid (Glu) is present in platypus, chicken, and zebrafish, increasing the likelihood that this variant may not have clinical significance. Computational analyses (PolyPhen-2, SIFT, AlignGVGD, BLOSUM) do not suggest a high likelihood of impact to the protein; however, this information is not predictive enough to rule out pathogenicity. One study suggests that this residue is part of one APC nuclear localization signal located from residues 1767-1772, and a substitution of alanine residues for lysine residues at positions 1768-1771 was shown to abolish nuclear localization signal activity (Zhang 2000). In summary, based on the above information, the clinical significance of this variant cannot be determined with certainty at this time. This variant is classified as a variant of unknown significance.

Literature cited by the submitters: PubMed 30267214 (cited by Quest Diagnostics Nichols Institute San Juan Capistrano and Ambry Genetics).